The following is an entry in ClinVar:

NM_001854.4(COL11A1):c.4171A>G (p.Lys1391Glu)

Gene: COL11A1 (collagen type XI alpha 1 chain; minus strand). Cytogenetic location: 1p21.1.
Variant type: single nucleotide variant.
Coding change: c.4171A>G on transcript NM_001854.4 (MANE Select); coding-DNA position 4171, A replaced by G.
Protein change: p.Lys1391Glu; replaces lysine 1391 with glutamic acid.
Molecular consequence: missense variant. On other transcripts: non-coding transcript variant (1).
Genome position (GRCh38, 1-based): chr1:102,898,743, T>C on the plus strand (A>G on the coding strand, the complement: COL11A1 is on the minus strand). VCF-style: chr1-102898743-T-C. GRCh37 (hg19) VCF-style: chr1-103364299-T-C.
Other names: c.4054A>G, p.Lys1352Glu (NM_001190709.2); c.4207A>G, p.Lys1403Glu (NM_080629.3); c.3823A>G, p.Lys1275Glu (NM_080630.4); short protein forms K1275E, K1352E, K1391E, K1403E.
Identifiers: ClinVar variation 1446785 (VCV001446785.8), dbSNP rs2100923419, ClinGen allele CA341155393.
Genomic context (GRCh38, chr1:102,898,743, plus strand): 5'-CCCGAAGACCTTCTGGACCAGGCTTTCCTGCAGGTCCCTGAGGACCGACTGGGCCGGTTT[T>C]TCCAGGAGGACCTTCTGCACCTGCTTCCCCCTGTTAGAAAGTAAAATATGGGAGCACATT-3'
Protein context (NP_001845.3, residues 1381-1401): GEAGAEGPPG[Lys1391Glu]TGPVGPQGPA

ClinVar aggregate classification (germline): Uncertain significance (1 of 4 stars; one submission).

gnomAD v4.1: 1 of 1,613,250 alleles (0.000062%); no homozygotes.

Submission:

Labcorp Genetics (formerly Invitae), Labcorp
Classification: Uncertain significance. Last evaluated: 2022-11-22. Review status: criteria provided, single submitter. Criteria: Invitae Variant Classification Sherloc (09022015). Collection method: clinical testing. Allele origin: germline.
Comment: ClinVar contains an entry for this variant (Variation ID: 1446785). Advanced modeling of protein sequence and biophysical properties (such as structural, functional, and spatial information, amino acid conservation, physicochemical variation, residue mobility, and thermodynamic stability) performed at Invitae indicates that this missense variant is not expected to disrupt COL11A1 protein function. In summary, the available evidence is currently insufficient to determine the role of this variant in disease. Therefore, it has been classified as a Variant of Uncertain Significance. This sequence change replaces lysine, which is basic and polar, with glutamic acid, which is acidic and polar, at codon 1391 of the COL11A1 protein (p.Lys1391Glu). This variant is not present in population databases (gnomAD no frequency). This variant has not been reported in the literature in individuals affected with COL11A1-related conditions.